The following is an entry in ClinVar:

NM_007294.4(BRCA1):c.5229_5230del (p.Arg1744fs)

Gene: BRCA1 (BRCA1 DNA repair associated; minus strand). Cytogenetic location: 17q21.31.
Variant type: Deletion.
Coding change: c.5229_5230del on transcript NM_007294.4 (MANE Select); coding-DNA positions 5229 to 5230, 2 bases deleted (AA; older notation c.5229_5230delAA).
Protein change: p.Arg1744fs; shifts the reading frame from arginine 1744.
Molecular consequence: frameshift variant. On other transcripts: non-coding transcript variant (1).
Genome position (GRCh38, 1-based): chr17:43,057,099-43,057,100, TT deleted on the plus strand (AA on the coding strand, the reverse complement: BRCA1 is on the minus strand). VCF-style (leftmost placement, unchanged base first): chr17-43057098-CTT-C. GRCh37 (hg19) VCF-style: chr17-41209115-CTT-C.
Other names: 5348delAA; NP_009225.1:p.Arg1744LysfsTer85; c.5292_5293delAA (NM_007300.3); c.4893_4894delAA, p.Arg1632Lysfs (NM_001407953.1, NM_001407954.1, NM_001407955.1 and 3 more transcripts); c.4890_4891delAA, p.Arg1631Lysfs (NM_001407956.1, NM_001407957.1, NM_001407958.1); c.4848_4849delAA, p.Arg1617Lysfs (NM_001407959.1); c.4845_4846delAA, p.Arg1616Lysfs (NM_001407960.1, NM_001407962.1); c.4842_4843delAA, p.Arg1615Lysfs (NM_001407963.1); and 78 more; short protein forms R1765fs, R640fs, R1697fs, R1744fs.
Identifiers: ClinVar variation 55469 (VCV000055469.35), dbSNP rs80357852, ClinGen allele CA003372.
Genomic context (GRCh38, chr17:43,057,098, plus strand): 5'-GGAGGGAGCTTTACCTTTCTGTCCTGGGATTCTCTTGCTCGCTTTGGACCTTGGTGGTTT[CTT>C]CCATTGACCACATCTCCTCTGACTTCAAAATCATGCTGAAAGAAACCAAACACAACCCAT-3'

ClinVar aggregate classification (germline): Pathogenic. Review status: reviewed by expert panel (3 of 4 stars). 6 submissions from 6 submitters: Pathogenic (1). 5 of the submissions do not count toward it. Last evaluated 2016-09-08.

Conditions:
Breast-ovarian cancer, familial, susceptibility to, 1 (BROVCA1). Also called: BRCA1 Hereditary Breast and Ovarian Cancer; OVARIAN CANCER, SUSCEPTIBILITY TO. Identifiers: Orphanet 145, MedGen C2676676, MONDO:0011450, OMIM 604370. Disease mechanism: loss of function.
Hereditary breast ovarian cancer syndrome. Also called: BRCA1- and BRCA2-Associated Hereditary Breast and Ovarian Cancer; Hereditary breast and ovarian cancer syndrome; Hereditary breast and ovarian cancer syndrome (HBOC); Breast and ovarian cancer; Hereditary breast and/or ovarian cancer syndrome; Hereditary breast and ovarian cancer. Identifiers: Orphanet 145, MedGen C0677776, MeSH D061325, MONDO:0003582. Disease mechanism: loss of function.

Allele frequency attached by ClinVar (database versions not stated): gnomAD exomes below 0.00001.

Submissions (6):

Evidence-based Network for the Interpretation of Germline Mutant Alleles (ENIGMA)
Classification: Pathogenic for Breast-ovarian cancer, familial, susceptibility to, 1. Last evaluated: 2016-09-08. Review status: reviewed by expert panel. Criteria: ENIGMA BRCA1/2 Classification Criteria (2015). Collection method: curation. Allele origin: germline.
Comment: Variant allele predicted to encode a truncated non-functional protein.

Labcorp Genetics (formerly Invitae), Labcorp
Classification: Pathogenic for Hereditary breast ovarian cancer syndrome. Last evaluated: 2025-02-18. Review status: criteria provided, single submitter. Criteria: Invitae Variant Classification Sherloc (09022015). Collection method: clinical testing. Allele origin: germline. Not counted in ClinVar's aggregate classification.
Comment: This sequence change creates a premature translational stop signal (p.Arg1744Lysfs*85) in the BRCA1 gene. While this is not anticipated to result in nonsense mediated decay, it is expected to disrupt the last 120 amino acid(s) of the BRCA1 protein. This variant is not present in population databases (gnomAD no frequency). This premature translational stop signal has been observed in individual(s) with breast cancer (PMID: 9523200). This variant is also known as 5348delAA. ClinVar contains an entry for this variant (Variation ID: 55469). This variant disrupts a region of the BRCA1 protein in which other variant(s) (p.Tyr1853*) have been determined to be pathogenic (PMID: 7894493, 10811118, 11739404, 12400015, 21922593; internal data). This suggests that this is a clinically significant region of the protein, and that variants that disrupt it are likely to be disease-causing. For these reasons, this variant has been classified as Pathogenic.

National Health Laboratory Service, Universitas Academic Hospital and University of the Free State
Classification: Pathogenic for Hereditary breast ovarian cancer syndrome. Last evaluated: 2021-11-16. Review status: criteria provided, single submitter. Criteria: ACMG Guidelines, 2015. Collection method: clinical testing. Allele origin: germline. Affected: yes. Observed: 2 variant alleles. Not counted in ClinVar's aggregate classification.

Neuberg Centre For Genomic Medicine, NCGM
Classification: Pathogenic for Breast-ovarian cancer, familial, susceptibility to, 1. Review status: criteria provided, single submitter. Criteria: ACMG Guidelines, 2015. Collection method: clinical testing. Allele origin: germline. Inheritance: Autosomal dominant inheritance. Affected: yes. Not counted in ClinVar's aggregate classification.
Comment: The frameshift c.5229_5230del (p.Arg1744LysfsTer85) variant has been observed in an individual with breast cancer (Greenman J et al). This variant disrupts the C-terminal end of the BRCA1 protein partially including the BRCT domain, which is important for DNA repair activity (Williams RS et al). The p.Arg1744LysfsTer85 variant is novel (not in any individuals) in gnomAD Exomes and is novel (not in any individuals) in 1000 Genomes. This variant has been reported to the ClinVar database as Pathogenic. This variant causes a frameshift starting with codon Arginine 1744, changes this amino acid to Lysine residue, and creates a premature Stop codon at position 85 of the new reading frame, denoted p.Arg1744LysfsTer85. This variant is predicted to cause loss of normal protein function through protein truncation. Loss of function variants have been previously reported to be disease causing. For these reasons, this variant has been classified as Pathogenic.

KCCC/NGS Laboratory, Kuwait Cancer Control Center
Classification: Pathogenic for Breast-ovarian cancer, familial, susceptibility to, 1. Last evaluated: 2023-05-05. Review status: no assertion criteria provided. Collection method: clinical testing. Allele origin: germline. Affected: yes. Not counted in ClinVar's aggregate classification.
Comment: A known pathogenic mutation was detected in the BRCA1 gene (c.5292_5293delAA). This sequence change results in a premature translational stop signal in the BRCA1 gene (p.Arg1744Lysfs*85). While this is not anticipated to result in nonsense mediated decay, it is expected to disrupt the last 35 amino acids of the BRCA1 protein. This variant is not present in population databases (ExAC no frequency). This variant has been observed in an individual with breast cancer (PMID: 9523200). This variant is also known as 5348delAA in the literature. ClinVar contains an entry for this variant (Variation ID: 55469). This variant disrupts the C-terminal end of the BRCA1 protein partially including the BRCT domain (residues 1646-1859), which is important for DNA repair activity (PMID: 11573086, 14576433, 15133503, 25652403). A different truncation (p.Tyr1853*) that lies downstream of this variant has been determined to be pathogenic (PMID: 21922593, 10811118, 11739404, 12400015, 7894493, Invitae). This suggests that variants that disrupt this region of the protein are likely to be causative of disease. For these reasons, this variant has been classified as Pathogenic.

Breast Cancer Information Core (BIC) (BRCA1)
Classification: Pathogenic for Breast-ovarian cancer, familial 1. Review status: no assertion criteria provided. Collection method: clinical testing. Allele origin: germline. Affected: yes. Observed: 1 variant allele. Not counted in ClinVar's aggregate classification.

Literature cited by the submitters: PubMed 9523200 (cited by Labcorp Genetics (formerly Invitae), Labcorp); PubMed 7894493 (cited by Labcorp Genetics (formerly Invitae), Labcorp); PubMed 10811118 (cited by Labcorp Genetics (formerly Invitae), Labcorp); PubMed 11739404 (cited by Labcorp Genetics (formerly Invitae), Labcorp); PubMed 12400015 (cited by Labcorp Genetics (formerly Invitae), Labcorp); PubMed 21922593 (cited by Labcorp Genetics (formerly Invitae), Labcorp); DOI 10.3389/fgene.2022.834265 (cited by National Health Laboratory Service, Universitas Academic Hospital and University of the Free State); PubMed 20104584 (cited by KCCC/NGS Laboratory, Kuwait Cancer Control Center).